The following is an entry in ClinVar:

ClinVar aggregate classification (germline): Uncertain significance (1 of 4 stars; one submission).

Conditions:
Regional enteritis. Also called: Enteritis, Granulomatous. Identifiers: MedGen C0678202, MeSH D003424.
Blau syndrome (BLAUS). Also called: ARTHROCUTANEOUVEAL GRANULOMATOSIS; GRANULOMATOSIS, FAMILIAL JUVENILE SYSTEMIC; GRANULOMATOSIS, FAMILIAL, BLAU TYPE; GRANULOMATOUS INFLAMMATORY ARTHRITIS, DERMATITIS, AND UVEITIS, FAMILIAL; JABS SYNDROME. Identifiers: Orphanet 90340, MedGen C5201146, MONDO:0008523, OMIM 186580.

Allele frequency attached by ClinVar (database versions not stated): TOPMed below 0.00001; gnomAD 0.00001.
gnomAD v4.1: 1 of 1,613,938 alleles (0.000062%); highest among the groups gnomAD compares: Non-Finnish European, 0.000085%; no homozygotes.

Submission:

Labcorp Genetics (formerly Invitae), Labcorp
Classification: Uncertain significance for Regional enteritis; Blau syndrome. Last evaluated: 2022-03-28. Review status: criteria provided, single submitter. Criteria: Invitae Variant Classification Sherloc (09022015). Collection method: clinical testing. Allele origin: germline.
Comment: In summary, the available evidence is currently insufficient to determine the role of this variant in disease. Therefore, it has been classified as a Variant of Uncertain Significance. Advanced modeling of protein sequence and biophysical properties (such as structural, functional, and spatial information, amino acid conservation, physicochemical variation, residue mobility, and thermodynamic stability) performed at Invitae indicates that this missense variant is not expected to disrupt NOD2 protein function. This variant has not been reported in the literature in individuals affected with NOD2-related conditions. This variant is not present in population databases (gnomAD no frequency). This sequence change replaces tyrosine, which is neutral and polar, with histidine, which is basic and polar, at codon 799 of the NOD2 protein (p.Tyr799His).

NM_001370466.1(NOD2):c.2314T>C (p.Tyr772His)

Gene: NOD2 (nucleotide binding oligomerization domain containing 2; plus strand). Cytogenetic location: 16q12.1.
Variant type: single nucleotide variant.
Coding change: c.2314T>C on transcript NM_001370466.1 (MANE Select); coding-DNA position 2314, T replaced by C.
Protein change: p.Tyr772His; replaces tyrosine 772 with histidine.
Molecular consequence: missense variant. On other transcripts: non-coding transcript variant (1).
Genome position (GRCh38, 1-based): chr16:50,712,306, T>C. VCF-style: chr16-50712306-T-C. GRCh37 (hg19) VCF-style: chr16-50746217-T-C.
Other names: c.2314T>C, p.Tyr772His (NM_001293557.2); c.2395T>C, p.Tyr799His (NM_022162.3); short protein forms Y799H, Y772H.
Identifiers: ClinVar variation 2118622 (VCV002118622.4), dbSNP rs1964572893, ClinGen allele CA395872106.